The following is an entry in ClinVar:

ClinVar aggregate classification (germline): Likely benign. Review status: criteria provided, multiple submitters, no conflicts (2 of 4 stars). 4 submissions from 4 submitters: Likely benign (4). Last evaluated 2026-05-21.

Conditions:
Retinal dystrophy. Also called: Inherited retinal dystrophy. Identifiers: Orphanet 71862, MedGen C0854723, MeSH D058499, MONDO:0019118, HP:0000556.
SNRNP200-related disorder. Also called: SNRNP200-related condition.

Allele frequency attached by ClinVar (database versions not stated): gnomAD exomes 0.00001 and 0.00003; ExAC 0.00004; gnomAD 0.00005; TOPMed 0.00005; ESP Exome Variant Server 0.00015.
gnomAD v4.1: 22 of 1,614,026 alleles (0.0014%); highest among the groups gnomAD compares: African/African-American, 0.015%; no homozygotes.

Submissions (4):

PreventionGenetics, part of Exact Sciences
Classification: Likely benign for SNRNP200-related condition. Last evaluated: 2026-05-21. Review status: criteria provided, single submitter. Criteria: ACMG Guidelines, 2015. Collection method: clinical testing. Allele origin: germline.
Comment: This variant is classified as likely benign based on ACMG/AMP sequence variant interpretation guidelines (Richards et al. 2015 PMID: 25741868, with internal and published modifications).

Labcorp Genetics (formerly Invitae), Labcorp
Classification: Likely benign. Last evaluated: 2024-03-31. Review status: criteria provided, single submitter. Criteria: Invitae Variant Classification Sherloc (09022015). Collection method: clinical testing. Allele origin: germline.

Blueprint Genetics
Classification: Likely benign. Last evaluated: 2024-02-12. Review status: criteria provided, single submitter. Criteria: ACMG Guidelines, 2015. Collection method: clinical testing. Allele origin: germline.

Dept Of Ophthalmology, Nagoya University
Classification: Likely benign for Retinal dystrophy. Last evaluated: 2023-10-01. Review status: criteria provided, single submitter. Criteria: Submitter's publication. Collection method: research. Allele origin: germline. Affected: yes.

NM_014014.5(SNRNP200):c.5457C>T (p.Ala1819=)

Gene: SNRNP200 (small nuclear ribonucleoprotein U5 subunit 200; minus strand). Cytogenetic location: 2q11.2.
Variant type: single nucleotide variant.
Coding change: c.5457C>T on transcript NM_014014.5 (MANE Select); coding-DNA position 5457, C replaced by T.
Protein change: p.Ala1819=; no amino-acid change (alanine 1819 retained).
Molecular consequence: synonymous variant.
Genome position (GRCh38, 1-based): chr2:96,278,578, G>A on the plus strand (C>T on the coding strand, the complement: SNRNP200 is on the minus strand). VCF-style: chr2-96278578-G-A. GRCh37 (hg19) VCF-style: chr2-96944316-G-A.
Other names: c.5457C>T (NM_014014.4).
Identifiers: ClinVar variation 1597195 (VCV001597195.11), dbSNP rs148995951, ClinGen allele CA1777969.